The following is an entry in ClinVar:

ClinVar aggregate classification (germline): Uncertain significance (1 of 4 stars; one submission).

Conditions:
Early-infantile DEE. Also called: Early infantile epileptic encephalopathy; Ohtahara syndrome; Early infantile epileptic encephalopathy with suppression bursts. Identifiers: Orphanet 1934, MedGen C0393706, MONDO:0800491.

Submission:

Labcorp Genetics (formerly Invitae), Labcorp
Classification: Uncertain significance for Early-infantile DEE. Last evaluated: 2024-02-16. Review status: criteria provided, single submitter. Criteria: Invitae Variant Classification Sherloc (09022015). Collection method: clinical testing. Allele origin: germline.
Comment: This sequence change replaces threonine, which is neutral and polar, with asparagine, which is neutral and polar, at codon 349 of the KCNQ2 protein (p.Thr349Asn). This variant is not present in population databases (gnomAD no frequency). This variant has not been reported in the literature in individuals affected with KCNQ2-related conditions. ClinVar contains an entry for this variant (Variation ID: 1500869). Advanced modeling of protein sequence and biophysical properties (such as structural, functional, and spatial information, amino acid conservation, physicochemical variation, residue mobility, and thermodynamic stability) performed at Invitae indicates that this missense variant is expected to disrupt KCNQ2 protein function with a positive predictive value of 95%. In summary, the available evidence is currently insufficient to determine the role of this variant in disease. Therefore, it has been classified as a Variant of Uncertain Significance.

NM_172107.4(KCNQ2):c.1046C>A (p.Thr349Asn)

Gene: KCNQ2 (potassium voltage-gated channel subfamily Q member 2; minus strand). Cytogenetic location: 20q13.33.
Variant type: single nucleotide variant.
Coding change: c.1046C>A on transcript NM_172107.4 (MANE Select); coding-DNA position 1046, C replaced by A.
Protein change: p.Thr349Asn; replaces threonine 349 with asparagine.
Molecular consequence: missense variant.
Genome position (GRCh38, 1-based): chr20:63,433,881, G>T on the plus strand (C>A on the coding strand, the complement: KCNQ2 is on the minus strand). VCF-style: chr20-63433881-G-T. GRCh37 (hg19) VCF-style: chr20-62065234-G-T.
Other names: c.1046C>A, p.Thr349Asn (NM_001382235.1, NM_004518.6, NM_172106.3 and 2 more transcripts); short protein forms T349N.
Identifiers: ClinVar variation 1500869 (VCV001500869.9), dbSNP rs2080906453, ClinGen allele CA409651225.